The following is an entry in ClinVar:

NM_025114.4(CEP290):c.7414A>G (p.Ser2472Gly)

Genes: CEP290 (centrosomal protein 290; minus strand), RLIG1 (RNA 5'-phosphate and 3'-OH ligase 1; plus strand). Cytogenetic location: 12q21.32.
Variant type: single nucleotide variant.
Coding change: c.7414A>G on transcript NM_025114.4 (MANE Select); coding-DNA position 7414, A replaced by G.
Protein change: p.Ser2472Gly; replaces serine 2472 with glycine.
Molecular consequence: missense variant. On other transcripts: 3 prime UTR variant (1).
Genome position (GRCh38, 1-based): chr12:88,049,210, T>C on the plus strand (A>G on the coding strand, the complement: CEP290 is on the minus strand). VCF-style: chr12-88049210-T-C. GRCh37 (hg19) VCF-style: chr12-88442987-T-C.
Other names: c.*788T>C (NM_001009894.3); short protein forms S2472G.
Identifiers: ClinVar variation 5002493 (VCV005002493.1).

ClinVar aggregate classification (germline): Uncertain significance (1 of 4 stars; one submission).

Conditions:
CEP290-related disorder. Also called: CEP290-related condition; CEP290-related disorders. Identifiers: MedGen CN239314.

Submission:

PreventionGenetics, part of Exact Sciences
Classification: Uncertain significance for CEP290-related condition. Last evaluated: 2025-03-27. Review status: criteria provided, single submitter. Criteria: ACMG Guidelines, 2015. Collection method: clinical testing. Allele origin: germline.
Comment: The CEP290 c.7414A>G variant is predicted to result in the amino acid substitution p.Ser2472Gly. To our knowledge, this variant has not been reported in the literature or in a large population database (gnomAD), indicating this variant is rare. At this time, the clinical significance of this variant is uncertain due to the absence of conclusive functional and genetic evidence.